The following is an entry in ClinVar:

ClinVar aggregate classification (germline): Uncertain significance (1 of 4 stars; one submission).

Submission:

Women's Health and Genetics/Laboratory Corporation of America, LabCorp
Classification: Uncertain significance. Last evaluated: 2026-04-21. Review status: criteria provided, single submitter. Criteria: LabCorp Variant Classification Summary - May 2015. Collection method: clinical testing. Allele origin: germline.
Comment: Variant summary: VWA3B c.128_132delATGGG (p.His43ProfsX2) results in a premature termination codon, predicted to cause a truncation of the encoded protein or absence of the protein due to nonsense mediated decay, however current evidence is not sufficient to establish loss of function as a mechanism for disease. The variant was absent in 249570 control chromosomes. The available data on variant occurrences in the general population are insufficient to allow any conclusion about variant significance. To our knowledge, no occurrence of c.128_132delATGGG in individuals affected with VWA3B-related conditions and no experimental evidence demonstrating its impact on protein function have been reported. No submitters have cited clinical-significance assessments for this variant to ClinVar. Based on the evidence outlined above, the variant was classified as uncertain significance.

NM_144992.5(VWA3B):c.128_132del (p.His43fs)

Gene: VWA3B (von Willebrand factor A domain containing 3B; plus strand). Cytogenetic location: 2q11.2.
Variant type: Deletion.
Coding change: c.128_132del on transcript NM_144992.5 (MANE Select); coding-DNA positions 128 to 132, 5 bases deleted (ATGGG; older notation c.128_132delATGGG).
Protein change: p.His43fs; shifts the reading frame from histidine 43.
Molecular consequence: frameshift variant. On other transcripts: non-coding transcript variant (3).
Genome position (GRCh38, 1-based): chr2:98,093,220-98,093,224, ATGGG deleted. VCF-style (leftmost placement, unchanged base first): chr2-98093219-CATGGG-C. GRCh37 (hg19) VCF-style: chr2-98709682-CATGGG-C.
Other names: c.128_132delATGGG (NM_144992.5); short protein forms H43fs.
Identifiers: ClinVar variation 4848340 (VCV004848340.1).
Genomic context (GRCh38, chr2:98,093,219, plus strand): 5'-AACACCAAAACAGACTTGGCTGAGCAGAGTCTCATTTCATCTGAGAAATGGCTTCAACTG[CATGGG>C]CTTAAGAGCAACAAATTGACCTTGAAACAGATTTTGTCACAGATCGGATTCCCACATTGT-3'